The following is an entry in ClinVar:

ClinVar aggregate classification (germline): Uncertain significance (1 of 4 stars; one submission).

Submission:

GeneDx
Classification: Uncertain significance. Last evaluated: 2025-03-29. Review status: criteria provided, single submitter. Criteria: GeneDx Variant Classification Process June 2021. Collection method: clinical testing. Allele origin: germline. Affected: yes.
Comment: Not observed at significant frequency in large population cohorts (gnomAD); In silico analysis supports that this missense variant has a deleterious effect on protein structure/function; Has not been previously published as pathogenic or benign to our knowledge

NM_003128.3(SPTBN1):c.4934C>A (p.Ala1645Glu)

Gene: SPTBN1 (spectrin beta, non-erythrocytic 1; plus strand). Cytogenetic location: 2p16.2.
Variant type: single nucleotide variant.
Coding change: c.4934C>A on transcript NM_003128.3 (MANE Select); coding-DNA position 4934, C replaced by A.
Protein change: p.Ala1645Glu; replaces alanine 1645 with glutamic acid.
Molecular consequence: missense variant.
Genome position (GRCh38, 1-based): chr2:54,647,198, C>A. VCF-style: chr2-54647198-C-A. GRCh37 (hg19) VCF-style: chr2-54874335-C-A.
Other names: c.4895C>A, p.Ala1632Glu (NM_178313.3); short protein forms A1645E, A1632E.
Identifiers: ClinVar variation 4088092 (VCV004088092.1).
Genomic context (GRCh38, chr2:54,647,198, plus strand): 5'-AGAGTGCTGTCTCCATGTTGAAGAAGCACCAGATCTTAGAACAAGCTGTGGAGGACTATG[C>A]AGAGACCGTGCATCAGCTCTCCAAGACCAGCCGGGCCCTGGTGGCCGACAGCCATCCTGA-3'
Protein context (NP_003119.2, residues 1635-1655): QILEQAVEDY[Ala1645Glu]ETVHQLSKTS